The following is an entry in ClinVar:

NM_006736.6(DNAJB2):c.671A>C (p.Gln224Pro)

Gene: DNAJB2 (DnaJ heat shock protein family (Hsp40) member B2; plus strand). Cytogenetic location: 2q35.
Variant type: single nucleotide variant.
Coding change: c.671A>C on transcript NM_006736.6 (MANE Select); coding-DNA position 671, A replaced by C.
Protein change: p.Gln224Pro; replaces glutamine 224 with proline.
Molecular consequence: missense variant.
Genome position (GRCh38, 1-based): chr2:219,284,683, A>C. VCF-style: chr2-219284683-A-C. GRCh37 (hg19) VCF-style: chr2-220149405-A-C.
Other names: c.671A>C, p.Gln224Pro (NM_001039550.2); short protein forms Q224P.
Identifiers: ClinVar variation 1755075 (VCV001755075.7), dbSNP rs773100646, ClinGen allele CA2123078.

ClinVar aggregate classification (germline): Uncertain significance. Review status: criteria provided, multiple submitters, no conflicts (2 of 4 stars). 2 submissions from 2 submitters: Uncertain significance (2). Last evaluated 2022-05-03.

Conditions:
Inborn genetic diseases. Identifiers: MedGen C0950123, MeSH D030342.
Neuronopathy, distal hereditary motor, autosomal recessive 5. Also called: Spinal muscular atrophy, distal, autosomal recessive, 5; Young adult-onset distal hereditary motor neuropathy; NEUROPATHY, DISTAL HEREDITARY MOTOR, AUTOSOMAL RECESSIVE 5. Identifiers: Orphanet 314485, Orphanet 443950, MedGen C4749918, MONDO:0013947, OMIM 614881.

Allele frequency attached by ClinVar (database versions not stated): gnomAD exomes below 0.00001; ExAC 0.00001.
gnomAD v4.1: 2 of 1,609,408 alleles (0.00012%); highest among the groups gnomAD compares: South Asian, 0.0011%; no homozygotes.

Submissions (2):

Ambry Genetics
Classification: Uncertain significance for Inborn genetic diseases. Last evaluated: 2022-05-03. Review status: criteria provided, single submitter. Criteria: Ambry Variant Classification Scheme 2023. Collection method: clinical testing. Allele origin: germline.
Comment: The p.Q224P variant (also known as c.671A>C), located in coding exon 8 of the DNAJB2 gene, results from an A to C substitution at nucleotide position 671. The glutamine at codon 224 is replaced by proline, an amino acid with similar properties. This amino acid position is conserved. In addition, this alteration is predicted to be tolerated by in silico analysis. Since supporting evidence is limited at this time, the clinical significance of this alteration remains unclear.

Labcorp Genetics (formerly Invitae), Labcorp
Classification: Uncertain significance for Neuronopathy, distal hereditary motor, autosomal recessive 5. Last evaluated: 2022-03-29. Review status: criteria provided, single submitter. Criteria: Invitae Variant Classification Sherloc (09022015). Collection method: clinical testing. Allele origin: germline.
Comment: In summary, the available evidence is currently insufficient to determine the role of this variant in disease. Therefore, it has been classified as a Variant of Uncertain Significance. Algorithms developed to predict the effect of missense changes on protein structure and function are either unavailable or do not agree on the potential impact of this missense change (SIFT: "Tolerated"; PolyPhen-2: "Possibly Damaging"; Align-GVGD: "Class C0"). This variant has not been reported in the literature in individuals affected with DNAJB2-related conditions. This variant is present in population databases (rs773100646, gnomAD 0.003%). This sequence change replaces glutamine, which is neutral and polar, with proline, which is neutral and non-polar, at codon 224 of the DNAJB2 protein (p.Gln224Pro).